The following is an entry in ClinVar:

ClinVar aggregate classification (germline): Pathogenic/Likely pathogenic. Review status: criteria provided, multiple submitters, no conflicts (2 of 4 stars). 6 submissions from 5 submitters: Pathogenic (4); Likely pathogenic (2). Last evaluated 2024-10-26.

Conditions:
Breast carcinoma. Also called: Carcinoma of breast. Identifiers: MedGen C0678222, MONDO:0004989, HP:0003002.
Familial cancer of breast. Also called: hereditary breast carcinoma; BREAST CANCER, FAMILIAL; Hereditary breast cancer. Identifiers: Orphanet 227535, MedGen C0346153, MONDO:0016419, OMIM 114480. Disease mechanism: loss of function.
Hereditary cancer-predisposing syndrome. Also called: Hereditary Cancer Syndrome; Hereditary neoplastic syndrome; Tumor predisposition; Neoplastic Syndromes, Hereditary. Identifiers: Orphanet 140162, MedGen C0027672, MeSH D009386, MONDO:0015356.
CHEK2-related cancer predisposition (TPDS4). Also called: CHEK2-related cancer susceptibility; CANCER PREDISPOSITION SYNDROME, CHEK2-RELATED; TUMOR PREDISPOSITION SYNDROME 4. Identifiers: Orphanet 524, MedGen C5882668, MONDO:0700271, OMIM 609265.

Allele frequency attached by ClinVar (database versions not stated): gnomAD 0.00001.
gnomAD v4.1: 2 of 1,613,984 alleles (0.00012%); highest among the groups gnomAD compares: Non-Finnish European, 0.00017%; no homozygotes.

Submissions (6):

Labcorp Genetics (formerly Invitae), Labcorp
Classification: Pathogenic for Familial cancer of breast. Last evaluated: 2024-10-26. Review status: criteria provided, single submitter. Criteria: Invitae Variant Classification Sherloc (09022015). Collection method: clinical testing. Allele origin: germline.
Comment: This sequence change creates a premature translational stop signal (p.Trp114*) in the CHEK2 gene. It is expected to result in an absent or disrupted protein product. Loss-of-function variants in CHEK2 are known to be pathogenic (PMID: 21876083, 24713400). This variant is present in population databases (no rsID available, gnomAD 0.01%). This variant has not been reported in the literature in individuals affected with CHEK2-related conditions. ClinVar contains an entry for this variant (Variation ID: 1453185). For these reasons, this variant has been classified as Pathogenic.

Myriad Genetics, Inc.
Classification: Pathogenic for Familial cancer of breast. Last evaluated: 2023-06-23. Review status: criteria provided, single submitter. Criteria: Myriad Autosomal Dominant, Autosomal Recessive and X-Linked Classification Criteria (2023). Collection method: clinical testing. Allele origin: unknown.
Comment: This variant is considered pathogenic. This variant creates a termination codon and is predicted to result in premature protein truncation.

Institute of Human Genetics, University of Leipzig Medical Center
Classification: Pathogenic for Familial cancer of breast. Last evaluated: 2022-12-06. Review status: criteria provided, single submitter. Criteria: ACMG Guidelines, 2015. Collection method: clinical testing. Allele origin: unknown. Affected: yes.
Comment: _x000D_ Criteria applied: PVS1, PS4_SUP, PM2_SUP

Laboratorio de Genetica e Diagnostico Molecular, Hospital Israelita Albert Einstein
Classification: Likely pathogenic for CHEK2-related cancer predisposition. Last evaluated: 2022-10-05. Review status: criteria provided, single submitter. Criteria: ACMG Guidelines, 2015. Collection method: clinical testing. Allele origin: germline. Affected: yes. Observed: 1 variant allele.
Comment: ACMG classification criteria: PVS1 very strong, PM2 moderated

Institute of Human Genetics, University of Leipzig Medical Center
Classification: Likely pathogenic for Breast carcinoma. Last evaluated: 2022-06-23. Review status: criteria provided, single submitter. Criteria: ACMG Guidelines, 2015. Collection method: clinical testing. Allele origin: unknown. Affected: yes.
Comment: _x000D_ Criteria applied: PVS1, PM2_SUP

Ambry Genetics
Classification: Pathogenic for Hereditary cancer-predisposing syndrome. Last evaluated: 2020-09-17. Review status: criteria provided, single submitter. Criteria: Ambry Variant Classification Scheme 2023. Collection method: clinical testing. Allele origin: germline.
Comment: The p.W114* pathogenic mutation (also known as c.342G>A), located in coding exon 2 of the CHEK2 gene, results from a G to A substitution at nucleotide position 342. This changes the amino acid from a tryptophan to a stop codon within coding exon 2. This alteration is expected to result in loss of function by premature protein truncation or nonsense-mediated mRNA decay. As such, this alteration is interpreted as a disease-causing mutation.

Literature cited by the submitters: PubMed 21876083 (cited by Labcorp Genetics (formerly Invitae), Labcorp); PubMed 24713400 (cited by Labcorp Genetics (formerly Invitae), Labcorp).

NM_007194.4(CHEK2):c.342G>A (p.Trp114Ter)

Gene: CHEK2 (checkpoint kinase 2; minus strand). Cytogenetic location: 22q12.1.
Variant type: single nucleotide variant.
Coding change: c.342G>A on transcript NM_007194.4 (MANE Select); coding-DNA position 342, G replaced by A.
Protein change: p.Trp114Ter; replaces tryptophan 114 with a stop codon.
Molecular consequence: nonsense.
Genome position (GRCh38, 1-based): chr22:28,725,345, C>T on the plus strand (G>A on the coding strand, the complement: CHEK2 is on the minus strand). VCF-style: chr22-28725345-C-T. GRCh37 (hg19) VCF-style: chr22-29121333-C-T.
Other names: c.471G>A, p.Trp157Ter (NM_001005735.3); c.-436G>A (NM_001257387.3); c.342G>A, p.Trp114Ter (NM_001349956.3, NM_145862.3); c.342G>A (NM_007194.3); short protein forms W114*, W157*.
Identifiers: ClinVar variation 1453185 (VCV001453185.13), dbSNP rs756949505, ClinGen allele CA411108219.
Genomic context (GRCh38, chr22:28,725,345, plus strand): 5'-ATCTGTTCTTTTCAGCAGTGGTTCATCAAAGCAATATTCACAGCTTTTGTCCCTCCCAAA[C>T]CAGTAGTTGTCATTCACACATTCTGTAATATAAAAGCATGCATCAGAGGGCTGTTGAATT-3'